The following is an entry in ClinVar:

NM_000311.5(PRNP):c.635A>C (p.Gln212Pro)

Gene: PRNP (prion protein (Kanno blood group); plus strand). Cytogenetic location: 20p13.
Variant type: single nucleotide variant.
Coding change: c.635A>C on transcript NM_000311.5 (MANE Select); coding-DNA position 635, A replaced by C.
Protein change: p.Gln212Pro; replaces glutamine 212 with proline.
Molecular consequence: missense variant. On other transcripts: 3 prime UTR variant (1).
Genome position (GRCh38, 1-based): chr20:4,699,855, A>C. VCF-style: chr20-4699855-A-C. GRCh37 (hg19) VCF-style: chr20-4680501-A-C.
Other names: c.635A>C, p.Gln212Pro (NM_001080121.3, NM_001080122.3, NM_001080123.3 and 1 more transcripts); c.*324A>C (NM_001271561.3); short protein forms Q212P.
Identifiers: ClinVar variation 1326274 (VCV001326274.9), dbSNP rs751882709, ClinGen allele CA9752113.
Genomic context (GRCh38, chr20:4,699,855, plus strand): 5'-CCACCAAGGGGGAGAACTTCACCGAGACCGACGTTAAGATGATGGAGCGCGTGGTTGAGC[A>C]GATGTGTATCACCCAGTACGAGAGGGAATCTCAGGCCTATTACCAGAGAGGATCGAGCAT-3'
Protein context (NP_000302.1, residues 202-222): DVKMMERVVE[Gln212Pro]MCITQYERES

ClinVar aggregate classification (germline): Conflicting classifications of pathogenicity. Review status: criteria provided, conflicting classifications (1 of 4 stars). 4 submissions from 4 submitters: Likely pathogenic (3); Uncertain significance (1). Last evaluated 2025-04-03.

Conditions:
Gerstmann-Straussler-Scheinker syndrome (GSD). Also called: Gerstmann-Sträussler-Scheinker Syndrome (GSS); GERSTMANN-STRAUSSLER DISEASE; CEREBELLAR ATAXIA, PROGRESSIVE DEMENTIA, AND AMYLOID DEPOSITS IN CNS; Spinocerebellar ataxia and plaque-like deposits; PRION DEMENTIA; Spongiform encephalopathy. Identifiers: Orphanet 356, MedGen C0017495, MONDO:0007656, OMIM 137440.
Huntington disease-like 1 (HDL1). Also called: HUNTINGTON-LIKE NEURODEGENERATIVE DISORDER 1; HUNTINGTON-LIKE NEURODEGENERATIVE DISORDER, AUTOSOMAL DOMINANT; PRION DISEASE, EARLY-ONSET, WITH PROMINENT PSYCHIATRIC FEATURES. Identifiers: Orphanet 157941, MedGen C1864112, MONDO:0011299, OMIM 603218.
Fatal familial insomnia (FFI). Also called: Fatal Familial Insomnia (FFI). Identifiers: Orphanet 466, MedGen C0206042, MONDO:0010808, OMIM 600072.

Allele frequency attached by ClinVar (database versions not stated): gnomAD 0.00003; gnomAD exomes 0.00003 and 0.00002; TOPMed 0.00002; ExAC 0.00002.
gnomAD v4.1: 55 of 1,613,464 alleles (0.0034%); highest among the groups gnomAD compares: Non-Finnish European, 0.0042%; no homozygotes.

Submissions (4):

Variantyx, Inc.
Classification: Likely pathogenic for Gerstmann-Straussler-Scheinker syndrome. Last evaluated: 2025-04-03. Review status: criteria provided, single submitter. Criteria: Variantyx Assertion Criteria 2022. Collection method: clinical testing. Allele origin: germline. Inheritance: Autosomal dominant inheritance. Affected: yes.
Comment: This is a nonsynonymous variant in the PRNP gene (OMIM: 176640). Pathogenic variants in this gene have been associated with autosomal dominant Gerstmann-Straussler disease. This variant has been reported in at least 5 unrelated affected individuals (PMID: 9786248, 21616973, 26000326, 29092967) (PS4_Moderate). Functional studies have shown that this variant alters PRNP protein function (PMID: 19680558, 19543376, 12590162, 22788868, 27649893) (PS3_Moderate), and multiple computational algorithms predict a deleterious effect for this variant (REVEL score: 0.823) (PP3). This variant has a 0.0042% maximum allele frequency in non-founder control populations (PM2). Based on the current evidence, this variant is classified as likely pathogenic for autosomal dominant Gerstmann-Straussler disease.

Molecular Genetics, Royal Melbourne Hospital
Classification: Likely pathogenic for Gerstmann-Straussler-Scheinker syndrome. Last evaluated: 2024-01-05. Review status: criteria provided, single submitter. Criteria: ACMG Guidelines, 2015. Collection method: clinical testing. Allele origin: germline. Inheritance: Autosomal dominant inheritance. Affected: yes.
Comment: This sequence change in PRNP is predicted to replace glutamine with proline at codon 212, p.(Gln212Pro). The glutamine residue is moderately conserved (100 vertebrates, UCSC), and is located in the Prion/Doppel protein beta-ribbon. There is a moderate physicochemical difference between glutamine and proline. The highest population minor allele frequency in the population database gnomAD v2.1 is 0.0035% (4/113,738 alleles) in the European (non-Finnish) population. The prevalence of the variant in individuals with prion disease is significantly increased compared with the prevalence in the population (PMID: 20583301 versus European [non-Finnish] population gnomAD v2.1). The variant is reported in individuals with phenotypes consistent with Gerstmann-Sträussler-Scheinker (GSS) syndrome, including one homozygote (PMID: 9786248, 20583301, 29092967). The variant alters prion protein destabilisation and copper-binding in multiple in vitro functional assays with limited validation (PMID: 19543376, 22788868, 27649893). Computational evidence predicts a deleterious effect for the missense substitution (REVEL = 0.823). Based on the classification scheme RMH Modified ACMG/AMP Guidelines v1.6.1, this variant is classified as LIKELY PATHOGENIC. Following criteria are met: PS4, PP3, PS3_Supporting.

Labcorp Genetics (formerly Invitae), Labcorp
Classification: Uncertain significance for Huntington disease-like 1. Last evaluated: 2021-11-28. Review status: criteria provided, single submitter. Criteria: Invitae Variant Classification Sherloc (09022015). Collection method: clinical testing. Allele origin: germline.
Comment: In summary, the available evidence is currently insufficient to determine the role of this variant in disease. Therefore, it has been classified as a Variant of Uncertain Significance. Experimental studies have shown that this missense change affects PRNP function (PMID: 12590162, 19543376, 19680558). Algorithms developed to predict the effect of missense changes on protein structure and function are either unavailable or do not agree on the potential impact of this missense change (SIFT: "Deleterious"; PolyPhen-2: "Possibly Damaging"; Align-GVGD: "Class C0"). This missense change has been observed in individuals with PRNP-related conditions (PMID: 9786248, 21616973, 26000326, 29092967). This variant is present in population databases (rs751882709, gnomAD 0.004%). This sequence change replaces glutamine, which is neutral and polar, with proline, which is neutral and non-polar, at codon 212 of the PRNP protein (p.Gln212Pro).

CENTOGENE GmbH and LLC - Guiding Precision Medicine
Classification: Likely pathogenic for Fatal familial insomnia. Last evaluated: 2021-08-30. Review status: criteria provided, single submitter. Criteria: ACMG Guidelines, 2015. Collection method: clinical testing. Allele origin: maternal. Affected: yes.

Literature cited by the submitters: PubMed 19680558 (cited by Variantyx, Inc. and Labcorp Genetics (formerly Invitae), Labcorp); PubMed 19543376 (cited by 3 submitters); PubMed 12590162 (cited by Variantyx, Inc. and Labcorp Genetics (formerly Invitae), Labcorp); PubMed 22788868 (cited by Variantyx, Inc. and Molecular Genetics, Royal Melbourne Hospital); PubMed 27649893 (cited by Variantyx, Inc. and Molecular Genetics, Royal Melbourne Hospital); PubMed 9786248 (cited by 3 submitters); PubMed 21616973 (cited by Variantyx, Inc. and Labcorp Genetics (formerly Invitae), Labcorp); PubMed 26000326 (cited by Variantyx, Inc. and Labcorp Genetics (formerly Invitae), Labcorp); PubMed 29092967 (cited by 3 submitters); PubMed 20583301 (cited by Molecular Genetics, Royal Melbourne Hospital).